The following is an entry in ClinVar:

ClinVar aggregate classification (germline): Uncertain significance (1 of 4 stars; one submission).

Conditions:
Congenital myasthenic syndrome 9. Also called: Myasthenic syndrome, congenital, 9, associated with acetylcholine receptor deficiency. Identifiers: Orphanet 590, MedGen C4225368, MONDO:0014587, OMIM 616325.

gnomAD v4.1: 2 of 1,613,990 alleles (0.00012%); highest among the groups gnomAD compares: South Asian, 0.0011%; no homozygotes.

Submission:

3billion
Classification: Uncertain significance for Congenital myasthenic syndrome 9. Last evaluated: 2025-12-04. Review status: criteria provided, single submitter. Criteria: ACMG Guidelines, 2015. Collection method: clinical testing. Allele origin: germline. Affected: yes.
Comment: The variant is observed at an extremely low frequency in the gnomAD v4.1.0 dataset (total allele frequency: <0.001%). Predicted Consequence/Location: Missense variant. The majority of the known disease-causing variants of this gene are variants expected to result in premature termination of the protein. In silico tool predictions suggest damaging effect of the variant on gene or gene product [REVEL: 0.85 (>=0.6, sensitivity 0.68 and specificity 0.92)]. Different missense changes at the same codon have been reported as of uncertain significance (ClinVar ID: VCV000372415). Therefore, this variant is classified as VUS according to the recommendation of ACMG/AMP guideline.

NM_005592.4(MUSK):c.2299C>T (p.Arg767Cys)

Gene: MUSK (muscle associated receptor tyrosine kinase; plus strand). Cytogenetic location: 9q31.3.
Variant type: single nucleotide variant.
Coding change: c.2299C>T on transcript NM_005592.4 (MANE Select); coding-DNA position 2299, C replaced by T.
Protein change: p.Arg767Cys; replaces arginine 767 with cysteine.
Molecular consequence: missense variant.
Genome position (GRCh38, 1-based): chr9:110,800,677, C>T. VCF-style: chr9-110800677-C-T. GRCh37 (hg19) VCF-style: chr9-113562957-C-T.
Other names: c.2041C>T, p.Arg681Cys (NM_001166280.2); c.2011C>T, p.Arg671Cys (NM_001166281.2); c.1039C>T, p.Arg347Cys (NM_001369398.1); short protein forms R347C, R671C, R681C, R767C.
Identifiers: ClinVar variation 4855349 (VCV004855349.1).
Genomic context (GRCh38, chr9:110,800,677, plus strand): 5'-TCCAGGAACATCTACTCAGCAGACTACTACAAAGCTAATGAAAACGACGCTATCCCTATC[C>T]GTTGGATGCCACCAGAGTCCATTTTTTATAACCGCTACACTACAGAGTCTGATGTGTGGG-3'
Protein context (NP_005583.1, residues 757-777): KANENDAIPI[Arg767Cys]WMPPESIFYN